The following is an entry in ClinVar:

ClinVar aggregate classification (germline): Likely benign (1 of 4 stars; one submission).

Allele frequency attached by ClinVar (database versions not stated): gnomAD 0.00044 and 0.00045; TOPMed 0.00053.

Submission:

GeneDx
Classification: Likely benign. Last evaluated: 2018-06-08. Review status: criteria provided, single submitter. Criteria: GeneDx Variant Classification (06012015). Collection method: clinical testing. Allele origin: germline. Affected: yes.
Comment: This variant is considered likely benign or benign based on one or more of the following criteria: it is a conservative change, it occurs at a poorly conserved position in the protein, it is predicted to be benign by multiple in silico algorithms, and/or has population frequency not consistent with disease.

NM_152268.4(PARS2):c.-31C>T

Gene: PARS2 (prolyl-tRNA synthetase 2, mitochondrial; minus strand). Cytogenetic location: 1p32.3.
Variant type: single nucleotide variant.
Coding change: c.-31C>T on transcript NM_152268.4 (MANE Select); 31 bases upstream of the start codon, C replaced by T.
Molecular consequence: 5 prime UTR variant.
Genome position (GRCh38, 1-based): chr1:54,764,462, G>A on the plus strand (C>T on the coding strand, the complement: PARS2 is on the minus strand). VCF-style: chr1-54764462-G-A. GRCh37 (hg19) VCF-style: chr1-55230135-G-A.
Identifiers: ClinVar variation 668494 (VCV000668494.1), dbSNP rs989998989, ClinGen allele CA22746805.
Genomic context (GRCh38, chr1:54,764,462, plus strand): 5'-GCTTCATTTCGCTGCCCGCGCCCGTCCCTCAGGTCTGGGAGTCACCCACGTTCACCTACC[G>A]CAATCCCAGCCCACGCCTCCCGCAAGACCACCGCCGTGCCGGGCCAGCGCGCTTGCGCCT-3'